The following is an entry in ClinVar:

ClinVar aggregate classification (germline): Uncertain significance (1 of 4 stars; one submission).

Conditions:
Cardiovascular phenotype. Identifiers: MedGen CN230736.

Allele frequency attached by ClinVar (database versions not stated): ExAC 0.00001.
gnomAD v4.1: 2 of 1,614,098 alleles (0.00012%); highest among the groups gnomAD compares: Non-Finnish European, 0.00017%; no homozygotes.

Submission:

Ambry Genetics
Classification: Uncertain significance for Cardiovascular phenotype. Last evaluated: 2023-08-25. Review status: criteria provided, single submitter. Criteria: Ambry Variant Classification Scheme 2023. Collection method: clinical testing. Allele origin: germline.
Comment: The p.D2876V variant (also known as c.8627A>T), located in coding exon 10 of the ALMS1 gene, results from an A to T substitution at nucleotide position 8627. The aspartic acid at codon 2876 is replaced by valine, an amino acid with highly dissimilar properties. This amino acid position is well conserved in available vertebrate species. In addition, the in silico prediction for this alteration is inconclusive. Since supporting evidence is limited at this time, the clinical significance of this alteration remains unclear.

NM_001378454.1(ALMS1):c.8624A>T (p.Asp2875Val)

Gene: ALMS1 (ALMS1 centrosome and basal body associated protein; plus strand). Cytogenetic location: 2p13.1.
Variant type: single nucleotide variant.
Coding change: c.8624A>T on transcript NM_001378454.1 (MANE Select); coding-DNA position 8624, A replaced by T.
Protein change: p.Asp2875Val; replaces aspartic acid 2875 with valine.
Molecular consequence: missense variant.
Genome position (GRCh38, 1-based): chr2:73,490,583, A>T. VCF-style: chr2-73490583-A-T. GRCh37 (hg19) VCF-style: chr2-73717710-A-T.
Other names: c.8627A>T, p.Asp2876Val (NM_015120.4); short protein forms D2875V, D2876V.
Identifiers: ClinVar variation 2626201 (VCV002626201.2), dbSNP rs772303610, ClinGen allele CA1714503.